The following is an entry in ClinVar:

NM_024339.5(THOC6):c.777G>T (p.Ala259=)

Gene: THOC6 (THO complex subunit 6; plus strand). Cytogenetic location: 16p13.3.
Variant type: single nucleotide variant.
Coding change: c.777G>T on transcript NM_024339.5 (MANE Select); coding-DNA position 777, G replaced by T.
Protein change: p.Ala259=; no amino-acid change (alanine 259 retained).
Molecular consequence: synonymous variant.
Genome position (GRCh38, 1-based): chr16:3,027,247, G>T. VCF-style: chr16-3027247-G-T. GRCh37 (hg19) VCF-style: chr16-3077248-G-T.
Other names: c.777G>T, p.Ala259= (NM_001142350.3, NM_001347704.2); c.705G>T, p.Ala235= (NM_001347703.2).
Identifiers: ClinVar variation 3388997 (VCV003388997.14).

ClinVar aggregate classification (germline): Likely benign (1 of 4 stars; one submission).

Submission:

CeGaT Center for Human Genetics Tuebingen
Classification: Likely benign. Last evaluated: 2024-09-01. Review status: criteria provided, single submitter. Criteria: CeGaT Center For Human Genetics Tuebingen Variant Classification Criteria Version 2. Collection method: clinical testing. Allele origin: germline. Affected: yes. Observed: 1 variant allele.
Comment: THOC6: PM2:Supporting, BP4, BP7